The following is an entry in ClinVar:

NM_006767.4(LZTR1):c.1513C>T (p.Arg505Trp)

Gene: LZTR1 (leucine zipper like post translational regulator 1; plus strand). Cytogenetic location: 22q11.21.
Variant type: single nucleotide variant.
Coding change: c.1513C>T on transcript NM_006767.4 (MANE Select); coding-DNA position 1513, C replaced by T.
Protein change: p.Arg505Trp; replaces arginine 505 with tryptophan.
Molecular consequence: missense variant.
Genome position (GRCh38, 1-based): chr22:20,994,167, C>T. VCF-style: chr22-20994167-C-T. GRCh37 (hg19) VCF-style: chr22-21348456-C-T.
Other names: short protein forms R505W.
Identifiers: ClinVar variation 1024076 (VCV001024076.16), dbSNP rs770974858, ClinGen allele CA10118924.

ClinVar aggregate classification (germline): Uncertain significance. Review status: criteria provided, multiple submitters, no conflicts (2 of 4 stars). 5 submissions from 5 submitters: Uncertain significance (5). Last evaluated 2026-01-14.

Conditions:
LZTR1-related schwannomatosis. Also called: Schwannomatosis-2, susceptibility to; Schwannomatosis 2. Identifiers: Orphanet 93921, MedGen C3810283, MONDO:0014299, OMIM 615670.
Hereditary cancer-predisposing syndrome. Also called: Hereditary Cancer Syndrome; Neoplastic Syndromes, Hereditary; Tumor predisposition; Hereditary neoplastic syndrome. Identifiers: Orphanet 140162, MedGen C0027672, MeSH D009386, MONDO:0015356.
Cardiovascular phenotype. Identifiers: MedGen CN230736.

Allele frequency attached by ClinVar (database versions not stated): TOPMed 0.00009.
gnomAD v4.1: 85 of 1,597,214 alleles (0.0053%); highest among the groups gnomAD compares: Middle Eastern, 0.05%; no homozygotes.

Submissions (5):

Labcorp Genetics (formerly Invitae), Labcorp
Classification: Uncertain significance. Last evaluated: 2026-01-14. Review status: criteria provided, single submitter. Criteria: Invitae Variant Classification Sherloc (09022015). Collection method: clinical testing. Allele origin: germline.
Comment: This sequence change replaces arginine, which is basic and polar, with tryptophan, which is neutral and slightly polar, at codon 505 of the LZTR1 protein (p.Arg505Trp). The frequency data for this variant in the population databases is considered unreliable, as metrics indicate poor data quality at this position in the gnomAD database. This variant has not been reported in the literature in individuals affected with LZTR1-related conditions. ClinVar contains an entry for this variant (Variation ID: 1024076). Invitae Evidence Modeling of protein sequence and biophysical properties (such as structural, functional, and spatial information, amino acid conservation, physicochemical variation, residue mobility, and thermodynamic stability) indicates that this missense variant is not expected to disrupt LZTR1 protein function with a negative predictive value of 80%. In summary, the available evidence is currently insufficient to determine the role of this variant in disease. Therefore, it has been classified as a Variant of Uncertain Significance.

Ambry Genetics
Classification: Uncertain significance for Cardiovascular phenotype; Hereditary cancer-predisposing syndrome. Last evaluated: 2025-01-15. Review status: criteria provided, single submitter. Criteria: Ambry Variant Classification Scheme 2023. Collection method: clinical testing. Allele origin: germline.
Comment: The p.R505W variant (also known as c.1513C>T), located in coding exon 14 of the LZTR1 gene, results from a C to T substitution at nucleotide position 1513. The arginine at codon 505 is replaced by tryptophan, an amino acid with dissimilar properties. This amino acid position is not well conserved in available vertebrate species. In addition, this alteration is predicted to be tolerated by in silico analysis. Based on the available evidence, the clinical significance of this variant remains unclear.

Women's Health and Genetics/Laboratory Corporation of America, LabCorp
Classification: Uncertain significance. Last evaluated: 2024-08-02. Review status: criteria provided, single submitter. Criteria: LabCorp Variant Classification Summary - May 2015. Collection method: clinical testing. Allele origin: germline.
Comment: Variant summary: LZTR1 c.1513C>T (p.Arg505Trp) results in a non-conservative amino acid change located in the BTB/POZ domain (IPR000210) of the encoded protein sequence. Three of five in-silico tools predict a benign effect of the variant on protein function. The variant allele was found at a frequency of 1.8e-05 in 217222 control chromosomes. The available data on variant occurrences in the general population are insufficient to allow any conclusion about variant significance. c.1513C>T has been reported in the literature in individuals affected with Noonan Syndrome. These report(s) do not provide unequivocal conclusions about association of the variant with Noonan Syndrome. To our knowledge, no experimental evidence demonstrating an impact on protein function has been reported. ClinVar contains an entry for this variant (Variation ID: 1024076). Based on the evidence outlined above, the variant was classified as uncertain significance.

Baylor Genetics
Classification: Uncertain significance for LZTR1-related schwannomatosis. Last evaluated: 2024-02-25. Review status: criteria provided, single submitter. Criteria: ACMG Guidelines, 2015. Collection method: clinical testing. Allele origin: unknown.

GeneDx
Classification: Uncertain significance. Last evaluated: 2024-02-25. Review status: criteria provided, single submitter. Criteria: GeneDx Variant Classification Process June 2021. Collection method: clinical testing. Allele origin: germline. Affected: yes.
Comment: In silico analysis supports that this missense variant does not alter protein structure/function; Observed in an individual with an unexplained cardiac arrest in the published literature (PMID: 35352813); This variant is associated with the following publications: (PMID: 35352813)

Literature cited by the submitters: PubMed 35352813 (cited by Women's Health and Genetics/Laboratory Corporation of America, LabCorp).